The following is an entry in ClinVar:

ClinVar aggregate classification (germline): Uncertain significance (1 of 4 stars; one submission).

Conditions:
Dilated cardiomyopathy 1O (CMD1O). Also called: CARDIOMYOPATHY, DILATED, WITH VENTRICULAR TACHYCARDIA. Identifiers: Orphanet 154, MedGen C1837839, MONDO:0012062, OMIM 608569.

Submission:

Labcorp Genetics (formerly Invitae), Labcorp
Classification: Uncertain significance for Dilated cardiomyopathy 1O. Last evaluated: 2023-05-21. Review status: criteria provided, single submitter. Criteria: Invitae Variant Classification Sherloc (09022015). Collection method: clinical testing. Allele origin: germline.
Comment: This sequence change replaces proline, which is neutral and non-polar, with leucine, which is neutral and non-polar, at codon 739 of the ABCC9 protein (p.Pro739Leu). This variant is not present in population databases (gnomAD no frequency). This variant has not been reported in the literature in individuals affected with ABCC9-related conditions. Advanced modeling of protein sequence and biophysical properties (such as structural, functional, and spatial information, amino acid conservation, physicochemical variation, residue mobility, and thermodynamic stability) performed at Invitae indicates that this missense variant is not expected to disrupt ABCC9 protein function. Algorithms developed to predict the effect of sequence changes on RNA splicing suggest that this variant may disrupt the consensus splice site. In summary, the available evidence is currently insufficient to determine the role of this variant in disease. Therefore, it has been classified as a Variant of Uncertain Significance.

NM_020297.4(ABCC9):c.2216C>T (p.Pro739Leu)

Gene: ABCC9 (ATP binding cassette subfamily C member 9; minus strand). Cytogenetic location: 12p12.1.
Variant type: single nucleotide variant.
Coding change: c.2216C>T on transcript NM_020297.4 (MANE Select); coding-DNA position 2216, C replaced by T.
Protein change: p.Pro739Leu; replaces proline 739 with leucine.
Molecular consequence: missense variant.
Genome position (GRCh38, 1-based): chr12:21,864,460, G>A on the plus strand (C>T on the coding strand, the complement: ABCC9 is on the minus strand). VCF-style: chr12-21864460-G-A. GRCh37 (hg19) VCF-style: chr12-22017394-G-A.
Other names: c.2216C>T, p.Pro739Leu (NM_001377273.1, NM_005691.4); c.1352C>T, p.Pro451Leu (NM_001377274.1); short protein forms P451L, P739L.
Identifiers: ClinVar variation 2866649 (VCV002866649.3), dbSNP rs2541249260, ClinGen allele CA384130492.